The following is an entry in ClinVar:

NM_000243.3(MEFV):c.2229C>A (p.Phe743Leu)

Gene: MEFV (MEFV innate immunity regulator, pyrin; minus strand). Cytogenetic location: 16p13.3.
Variant type: single nucleotide variant.
Coding change: c.2229C>A on transcript NM_000243.3 (MANE Select); coding-DNA position 2229, C replaced by A.
Protein change: p.Phe743Leu; replaces phenylalanine 743 with leucine.
Molecular consequence: missense variant. On other transcripts: 3 prime UTR variant (1).
Genome position (GRCh38, 1-based): chr16:3,243,258, G>T on the plus strand (C>A on the coding strand, the complement: MEFV is on the minus strand). VCF-style: chr16-3243258-G-T. GRCh37 (hg19) VCF-style: chr16-3293258-G-T.
Other names: c.*433C>A (NM_001198536.2); short protein forms F743L.
Identifiers: ClinVar variation 4887438 (VCV004887438.1).

ClinVar aggregate classification (germline): Uncertain significance (1 of 4 stars; one submission).

Submission:

Women's Health and Genetics/Laboratory Corporation of America, LabCorp
Classification: Uncertain significance. Last evaluated: 2026-06-08. Review status: criteria provided, single submitter. Criteria: LabCorp Variant Classification Summary - May 2015. Collection method: clinical testing. Allele origin: germline.
Comment: Variant summary: MEFV c.2229C>A (p.Phe743Leu) results in a non-conservative amino acid change in the encoded protein sequence. Algorithms developed to predict the effect of missense changes on protein structure and function all suggest that this variant is likely to be disruptive. The variant was absent in 251452 control chromosomes. The available data on variant occurrences in the general population are insufficient to allow any conclusion about variant significance. c.2229C>A has been observed in individual(s) affected with MEFV-related conditions. These report(s) do not provide unequivocal conclusions about association of the variant with disease. To our knowledge, no experimental evidence demonstrating an impact on protein function has been reported. The following publication have been ascertained in the context of this evaluation (PMID: 16730661). No submitters have cited clinical-significance assessments for this variant to ClinVar. Based on the evidence outlined above, the variant was classified as uncertain significance.

Literature cited by the submitters: PubMed 16730661.